The following is an entry in ClinVar:

NM_032409.3(PINK1):c.1220G>A (p.Arg407Gln)

Genes: PINK1 (PTEN induced kinase 1; plus strand), PINK1-AS (PINK1 antisense RNA; minus strand). Cytogenetic location: 1p36.12.
Variant type: single nucleotide variant.
Coding change: c.1220G>A on transcript NM_032409.3 (MANE Select); coding-DNA position 1220, G replaced by A.
Protein change: p.Arg407Gln; replaces arginine 407 with glutamine.
Molecular consequence: missense variant. On other transcripts: non-coding transcript variant (1).
Genome position (GRCh38, 1-based): chr1:20,648,601, G>A. VCF-style: chr1-20648601-G-A. GRCh37 (hg19) VCF-style: chr1-20975094-G-A.
Other names: short protein forms R407Q.
Identifiers: ClinVar variation 967822 (VCV000967822.14), dbSNP rs556540177, ClinGen allele CA660738.

ClinVar aggregate classification (germline): Uncertain significance. Review status: criteria provided, multiple submitters, no conflicts (2 of 4 stars). 4 submissions from 4 submitters: Uncertain significance (4). Last evaluated 2024-10-30.

Conditions:
Autosomal recessive early-onset Parkinson disease 6 (PARK6). Also called: PINK1 Type of Young-Onset Parkinson Disease; PARKINSON DISEASE 6, MODIFIER OF; PARKINSON DISEASE 6, EARLY-ONSET; PINK1-Related Parkinson Disease. Identifiers: Orphanet 2828, MedGen C1853833, MONDO:0011613, OMIM 605909.

Allele frequency attached by ClinVar (database versions not stated): TOPMed 0.00010; 1000 Genomes Project 30x 0.00016; 1000 Genomes Project 0.00020.
gnomAD v4.1: 44 of 1,614,052 alleles (0.0027%); highest among the groups gnomAD compares: East Asian, 0.071%; 1 homozygote.

Submissions (4):

Dasa
Classification: Uncertain significance. Last evaluated: 2024-10-30. Review status: criteria provided, single submitter. Criteria: DASA Assertion Criteria. Collection method: clinical testing. Allele origin: germline.
Comment: NM_032409.3(PINK1):c.1220G>A (p.Arg407Gln) is a missense variant that results in the substitution of arginine with glutamine. This variant is rare in population databases. The currently available literature and clinical evidence are not sufficient to establish a definitive association between this variant and the reported condition. Therefore, this variant is classified as a variant of uncertain significance.

Blueprint Genetics
Classification: Uncertain significance. Last evaluated: 2022-09-20. Review status: criteria provided, single submitter. Criteria: ACMG Guidelines, 2015. Collection method: clinical testing. Allele origin: germline.

Labcorp Genetics (formerly Invitae), Labcorp
Classification: Uncertain significance for Autosomal recessive early-onset Parkinson disease 6. Last evaluated: 2022-01-11. Review status: criteria provided, single submitter. Criteria: Invitae Variant Classification Sherloc (09022015). Collection method: clinical testing. Allele origin: germline.
Comment: In summary, the available evidence is currently insufficient to determine the role of this variant in disease. Therefore, it has been classified as a Variant of Uncertain Significance. Experimental studies are conflicting or provide insufficient evidence to determine the effect of this variant on PINK1 function (PMID: 23459931). Algorithms developed to predict the effect of missense changes on protein structure and function are either unavailable or do not agree on the potential impact of this missense change (SIFT: "Tolerated"; PolyPhen-2: "Probably Damaging"; Align-GVGD: "Class C0"). ClinVar contains an entry for this variant (Variation ID: 967822). This missense change has been observed in individual(s) with Parkinson disease and/or early-onset Alzheimer disease (PMID: 16257123, 31217084, 32713623). This variant is present in population databases (rs556540177, gnomAD 0.1%), including at least one homozygous and/or hemizygous individual. This sequence change replaces arginine, which is basic and polar, with glutamine, which is neutral and polar, at codon 407 of the PINK1 protein (p.Arg407Gln).

Fulgent Genetics
Classification: Uncertain significance for Autosomal recessive early-onset Parkinson disease 6. Last evaluated: 2021-11-24. Review status: criteria provided, single submitter. Criteria: ACMG Guidelines, 2015. Collection method: clinical testing. Allele origin: unknown.

Literature cited by the submitters: PubMed 23459931 (cited by Labcorp Genetics (formerly Invitae), Labcorp); PubMed 16257123 (cited by Labcorp Genetics (formerly Invitae), Labcorp); PubMed 31217084 (cited by Labcorp Genetics (formerly Invitae), Labcorp); PubMed 32713623 (cited by Labcorp Genetics (formerly Invitae), Labcorp).